The following is an entry in ClinVar:

ClinVar aggregate classification (germline): Pathogenic/Likely pathogenic. Review status: criteria provided, multiple submitters, no conflicts (2 of 4 stars). 2 submissions from 2 submitters: Pathogenic (1); Likely pathogenic (1). Last evaluated 2025-05-28.

Conditions:
Snijders Blok-Campeau syndrome. Also called: INTELLECTUAL DEVELOPMENTAL DISORDER WITH MACROCEPHALY, SPEECH DELAY, AND DYSMORPHIC FACIES. Identifiers: Orphanet 599082, MedGen C4748701, MONDO:0032600, OMIM 618205.

Submissions (2):

3billion
Classification: Likely pathogenic for Snijders Blok-Campeau syndrome. Last evaluated: 2025-05-28. Review status: criteria provided, single submitter. Criteria: ACMG Guidelines, 2015. Collection method: clinical testing. Allele origin: germline. Affected: yes.
Comment: The variant is not observed in the gnomAD v4.1.0 dataset. Predicted Consequence/Location: The variant is located in a mutational hot spot and/or well-established functional domain in which established pathogenic variants have been reported. In silico tool predictions suggest damaging effect of the variant on gene or gene product [REVEL: 0.96 (>=0.6, sensitivity 0.68 and specificity 0.92); 3Cnet: 0.87 (> 0.75, sensitivity 0.96 and precision 0.92)]. Different missense changes at the same codon (p.Arg1169Pro, p.Arg1169Trp) have been reported as pathogenic/likely pathogenic with strong evidence (ClinVar ID: VCV000549741, VCV003069189). Therefore, this variant is classified as Likely pathogenic according to the recommendation of ACMG/AMP guideline.

GeneDx
Classification: Pathogenic. Last evaluated: 2024-12-04. Review status: criteria provided, single submitter. Criteria: GeneDx Variant Classification Process June 2021. Collection method: clinical testing. Allele origin: germline. Affected: yes.
Comment: Not observed at significant frequency in large population cohorts (gnomAD); In silico analysis supports that this missense variant has a deleterious effect on protein structure/function; This variant is associated with the following publications: (PMID: 37761804, 29463886)

NM_001005273.3(CHD3):c.3506G>A (p.Arg1169Gln)

Gene: CHD3 (chromodomain helicase DNA binding protein 3; plus strand). Cytogenetic location: 17p13.1.
Variant type: single nucleotide variant.
Coding change: c.3506G>A on transcript NM_001005273.3 (MANE Select); coding-DNA position 3506, G replaced by A.
Protein change: p.Arg1169Gln; replaces arginine 1169 with glutamine.
Molecular consequence: missense variant.
Genome position (GRCh38, 1-based): chr17:7,903,282, G>A. VCF-style: chr17-7903282-G-A. GRCh37 (hg19) VCF-style: chr17-7806600-G-A.
Other names: c.3683G>A, p.Arg1228Gln (NM_001005271.3); c.3506G>A, p.Arg1169Gln (NM_005852.4); short protein forms R1169Q, R1228Q.
Identifiers: ClinVar variation 3901359 (VCV003901359.2).
Genomic context (GRCh38, chr17:7,903,282, plus strand): 5'-CTCCCCGGCCACTCCCCTGACCCACCCGCCACTTTCTCTTGCCCCTGCAGGCCTTTAGCC[G>A]GGCTCATCGGATTGGCCAGGCCAACAAAGTGATGATTTACCGGTTTGTGACTCGCGCGTC-3'
Protein context (NP_001005273.1, residues 1159-1179): NPHNDIQAFS[Arg1169Gln]AHRIGQANKV